The following is an entry in ClinVar:

ClinVar aggregate classification (germline): Benign/Likely benign. Review status: criteria provided, multiple submitters, no conflicts (2 of 4 stars). 6 submissions from 6 submitters: Benign (4); Likely benign (2). Last evaluated 2026-01-27.

Conditions:
Brown-Vialetto-van Laere syndrome 1. Also called: BROWN-VIALETTO-VAN LAERE SYNDROME 1, MILD; BULBAR PALSY, PROGRESSIVE, WITH SENSORINEURAL DEAFNESS; PONTOBULBAR PALSY WITH DEAFNESS. Identifiers: Orphanet 572550, Orphanet 97229, MedGen C0796274, MONDO:0024537, OMIM 211530.

Allele frequency attached by ClinVar (database versions not stated): TOPMed 0.01038; ESP Exome Variant Server 0.01099; 1000 Genomes Project 30x 0.01374.

Submissions (6):

Labcorp Genetics (formerly Invitae), Labcorp
Classification: Benign for Brown-Vialetto-van Laere syndrome 1. Last evaluated: 2026-01-27. Review status: criteria provided, single submitter. Criteria: Invitae Variant Classification Sherloc (09022015). Collection method: clinical testing. Allele origin: germline.

ARUP Laboratories, Molecular Genetics and Genomics, ARUP Laboratories
Classification: Benign. Last evaluated: 2023-09-21. Review status: criteria provided, single submitter. Criteria: ARUP Molecular Germline Variant Investigation Process 2024. Collection method: clinical testing. Allele origin: germline.

Mayo Clinic Laboratories, Mayo Clinic
Classification: Benign. Last evaluated: 2023-06-14. Review status: criteria provided, single submitter. Criteria: ACMG Guidelines, 2015. Collection method: clinical testing. Allele origin: germline. Observed: 8 variant alleles.
Comment: BA1, BP4, BP7

GeneDx
Classification: Likely benign. Last evaluated: 2020-12-16. Review status: criteria provided, single submitter. Criteria: GeneDx Variant Classification Process June 2021. Collection method: clinical testing. Allele origin: germline. Affected: yes.

Laboratory for Molecular Medicine, Mass General Brigham Personalized Medicine
Classification: Benign. Last evaluated: 2017-08-23. Review status: criteria provided, single submitter. Criteria: LMM Criteria. Collection method: clinical testing. Allele origin: germline. Observed: 1 variant allele.
Comment: p.Leu235Leu in exon 3 of SLC52A3: This variant is not expected to have clinical significance because it does not alter an amino acid residue, is not located wit hin the splice consensus sequence, and has been identified in 3.74% (388/10376) of African chromosomes by the Exome Aggregation Consortium (ExAC; dbSNP rs3746806).

Breakthrough Genomics
Classification: Likely benign. Review status: criteria provided, single submitter. Criteria: ACMG Guidelines, 2015. Collection method: not provided. Allele origin: germline. Inheritance: Autosomal recessive inheritance. Affected: yes.

NM_033409.4(SLC52A3):c.705C>T (p.Leu235=)

Gene: SLC52A3 (solute carrier family 52 member 3; minus strand). Cytogenetic location: 20p13.
Variant type: single nucleotide variant.
Coding change: c.705C>T on transcript NM_033409.4 (MANE Select); coding-DNA position 705, C replaced by T.
Protein change: p.Leu235=; no amino-acid change (leucine 235 retained).
Molecular consequence: synonymous variant.
Genome position (GRCh38, 1-based): chr20:763,866, G>A on the plus strand (C>T on the coding strand, the complement: SLC52A3 is on the minus strand). VCF-style: chr20-763866-G-A. GRCh37 (hg19) VCF-style: chr20-744510-G-A.
Other names: p.Leu235=; c.705C>T, p.Leu235= (NM_001370085.1, NM_001370086.1).
Identifiers: ClinVar variation 476614 (VCV000476614.23), dbSNP rs3746806, ClinGen allele CA9724699.